The following is an entry in ClinVar:

NM_020779.4(WDR35):c.872C>T (p.Pro291Leu)

Gene: WDR35 (WD repeat domain 35; minus strand). Cytogenetic location: 2p24.1.
Variant type: single nucleotide variant.
Coding change: c.872C>T on transcript NM_020779.4 (MANE Select); coding-DNA position 872, C replaced by T.
Protein change: p.Pro291Leu; replaces proline 291 with leucine.
Molecular consequence: missense variant.
Genome position (GRCh38, 1-based): chr2:19,973,573, G>A on the plus strand (C>T on the coding strand, the complement: WDR35 is on the minus strand). VCF-style: chr2-19973573-G-A. GRCh37 (hg19) VCF-style: chr2-20173334-G-A.
Other names: c.872C>T, p.Pro291Leu (NM_001006657.2); short protein forms P291L.
Identifiers: ClinVar variation 2061334 (VCV002061334.3), dbSNP rs758121308, ClinGen allele CA1543414.
Genomic context (GRCh38, chr2:19,973,573, plus strand): 5'-TCACTGCACATTTAAATAGAAAGAAAGAAGATCAATTTGAATGCATTTACCTCACCAAAC[G>A]GAGTGTAAAACTGCACAATGTTCACATCTTTGTCCTGCATGGCTGCCTTCTGGAAGCCTG-3'
Protein context (NP_065830.2, residues 281-301): KDVNIVQFYT[Pro291Leu]FGEHLGTLKV

ClinVar aggregate classification (germline): Uncertain significance. Review status: criteria provided, multiple submitters, no conflicts (2 of 4 stars). 2 submissions from 2 submitters: Uncertain significance (2). Last evaluated 2024-05-14.

Conditions:
Cranioectodermal dysplasia 2 (CED2). Identifiers: Orphanet 1515, MedGen C3150874, MONDO:0013323, OMIM 613610.
Short-rib thoracic dysplasia 7 with or without polydactyly (SRTD7). Also called: SHORT-RIB THORACIC DYSPLASIA 7 WITH POLYDACTYLY; Short rib polydactyly syndrome 5. Identifiers: Orphanet 498497, Orphanet 93271, MedGen C3279792, MONDO:0013569, OMIM 614091.

Allele frequency attached by ClinVar (database versions not stated): gnomAD 0.00002; gnomAD exomes 0.00002; TOPMed 0.00002; ExAC 0.00003.
gnomAD v4.1: 27 of 1,614,112 alleles (0.0017%); highest among the groups gnomAD compares: African/African-American, 0.0067%; no homozygotes.

Submissions (2):

Fulgent Genetics
Classification: Uncertain significance for Cranioectodermal dysplasia 2; Short-rib thoracic dysplasia 7 with or without polydactyly. Last evaluated: 2024-05-14. Review status: criteria provided, single submitter. Criteria: ACMG Guidelines, 2015. Collection method: clinical testing. Allele origin: germline.

Labcorp Genetics (formerly Invitae), Labcorp
Classification: Uncertain significance for Cranioectodermal dysplasia 2; Short-rib thoracic dysplasia 7 with or without polydactyly. Last evaluated: 2023-10-13. Review status: criteria provided, single submitter. Criteria: Invitae Variant Classification Sherloc (09022015). Collection method: clinical testing. Allele origin: germline.
Comment: This sequence change replaces proline, which is neutral and non-polar, with leucine, which is neutral and non-polar, at codon 291 of the WDR35 protein (p.Pro291Leu). This variant is present in population databases (rs758121308, gnomAD 0.008%). This variant has not been reported in the literature in individuals affected with WDR35-related conditions. ClinVar contains an entry for this variant (Variation ID: 2061334). Advanced modeling of protein sequence and biophysical properties (such as structural, functional, and spatial information, amino acid conservation, physicochemical variation, residue mobility, and thermodynamic stability) performed at Invitae indicates that this missense variant is not expected to disrupt WDR35 protein function. In summary, the available evidence is currently insufficient to determine the role of this variant in disease. Therefore, it has been classified as a Variant of Uncertain Significance.